The following is an entry in ClinVar:

ClinVar aggregate classification (germline): Pathogenic (1 of 4 stars; one submission).

Conditions:
Ehlers-Danlos syndrome due to tenascin-X deficiency (EDSCLL1). Also called: EDS DUE TO TNX DEFICIENCY; TNX DEFICIENCY; Ehlers-Danlos syndrome, classic-like, 1; EHLERS-DANLOS SYNDROME, CLASSIC-LIKE; TNXB-Related Classical-Like Ehlers-Danlos Syndrome. Identifiers: Orphanet 230839, MedGen C1848029, MONDO:0011670, OMIM 606408.

Submission:

Myriad Genetics, Inc.
Classification: Pathogenic for Ehlers-Danlos syndrome due to tenascin-X deficiency. Last evaluated: 2026-01-15. Review status: criteria provided, single submitter. Criteria: Myriad Autosomal Dominant, Autosomal Recessive and X-Linked Classification Criteria (2023). Collection method: clinical testing. Allele origin: unknown.
Comment: NM_019105.6(TNXB):c.2826dupC(S943Lfs*31) is expected to be pathogenic in the context of classical-like Ehlers-Danlos syndrome, TNXB-related. This variant is predicted to lead to an abnormal or absent protein product due to the creation of a premature termination codon in TNXB, a gene where loss-of-function variants are known to be pathogenic. Please note: this variant was assessed in the context of healthy population screening.

NM_001365276.2(TNXB):c.2826dup (p.Ser943fs)

Gene: TNXB (tenascin XB; minus strand). Cytogenetic location: 6p21.33.
Variant type: Duplication.
Coding change: c.2826dup on transcript NM_001365276.2 (MANE Select); coding-DNA position 2826, one base duplicated (C; older notation c.2826dupC).
Protein change: p.Ser943fs; shifts the reading frame from serine 943.
Molecular consequence: frameshift variant.
Genome position (GRCh38, 1-based): chr6:32,086,072, G duplicated on the plus strand (C on the coding strand, the reverse complement: TNXB is on the minus strand); the first of 3 consecutive G bases (chr6:32,086,072-32,086,074); duplicating any one gives the same sequence. VCF-style (leftmost placement, unchanged base first): chr6-32086071-A-AG. GRCh37 (hg19) VCF-style: chr6-32053848-A-AG.
Other names: c.3567dup, p.Ser1190fs (NM_001428335.1); c.2826dup, p.Ser943fs (NM_019105.8); short protein forms S1190fs, S943fs.
Identifiers: ClinVar variation 5015417 (VCV005015417.1).